The following is an entry in ClinVar:

ClinVar aggregate classification (germline): Uncertain significance (1 of 4 stars; one submission).

Conditions:
Charcot-Marie-Tooth disease dominant intermediate F. Identifiers: Orphanet 352670, MedGen C4749463, MONDO:0014074, OMIM 615185.

gnomAD v4.1: 21 of 1,613,640 alleles (0.0013%); highest among the groups gnomAD compares: Non-Finnish European, 0.0018%; no homozygotes.

Submission:

Labcorp Genetics (formerly Invitae), Labcorp
Classification: Uncertain significance for Charcot-Marie-Tooth disease dominant intermediate F. Last evaluated: 2025-09-10. Review status: criteria provided, single submitter. Criteria: Invitae Variant Classification Sherloc (09022015). Collection method: clinical testing. Allele origin: germline.
Comment: This sequence change replaces serine, which is neutral and polar, with phenylalanine, which is neutral and non-polar, at codon 245 of the GNB4 protein (p.Ser245Phe). This variant is not present in population databases (gnomAD no frequency). This variant has not been reported in the literature in individuals affected with GNB4-related conditions. ClinVar contains an entry for this variant (Variation ID: 3715225). Invitae Evidence Modeling of protein sequence and biophysical properties (such as structural, functional, and spatial information, amino acid conservation, physicochemical variation, residue mobility, and thermodynamic stability) indicates that this missense variant is expected to disrupt GNB4 protein function with a positive predictive value of 95%. In summary, the available evidence is currently insufficient to determine the role of this variant in disease. Therefore, it has been classified as a Variant of Uncertain Significance.

NM_021629.4(GNB4):c.734C>T (p.Ser245Phe)

Gene: GNB4 (G protein subunit beta 4; minus strand). Cytogenetic location: 3q26.33.
Variant type: single nucleotide variant.
Coding change: c.734C>T on transcript NM_021629.4 (MANE Select); coding-DNA position 734, C replaced by T.
Protein change: p.Ser245Phe; replaces serine 245 with phenylalanine.
Molecular consequence: missense variant.
Genome position (GRCh38, 1-based): chr3:179,405,372, G>A on the plus strand (C>T on the coding strand, the complement: GNB4 is on the minus strand). VCF-style: chr3-179405372-G-A. GRCh37 (hg19) VCF-style: chr3-179123160-G-A.
Other names: short protein forms S245F.
Identifiers: ClinVar variation 3715225 (VCV003715225.2).